The following is an entry in ClinVar:

NM_005006.7(NDUFS1):c.1071G>C (p.Leu357Phe)

Gene: NDUFS1 (NADH:ubiquinone oxidoreductase core subunit S1; minus strand). Cytogenetic location: 2q33.3.
Variant type: single nucleotide variant.
Coding change: c.1071G>C on transcript NM_005006.7 (MANE Select); coding-DNA position 1071, G replaced by C.
Protein change: p.Leu357Phe; replaces leucine 357 with phenylalanine.
Molecular consequence: missense variant.
Genome position (GRCh38, 1-based): chr2:206,142,748, C>G on the plus strand (G>C on the coding strand, the complement: NDUFS1 is on the minus strand). VCF-style: chr2-206142748-C-G. GRCh37 (hg19) VCF-style: chr2-207007472-C-G.
Other names: p.Leu357Phe; c.963G>C, p.Leu321Phe (NM_001199981.2); c.738G>C, p.Leu246Phe (NM_001199982.2); c.900G>C, p.Leu300Phe (NM_001199983.2); c.1113G>C, p.Leu371Phe (NM_001199984.2); c.1071G>C (NM_005006.6, NM_005006.5); short protein forms L246F, L321F, L300F, L357F, L371F.
Identifiers: ClinVar variation 1421957 (VCV001421957.9), dbSNP rs199799342, ClinGen allele CA2070573.

ClinVar aggregate classification (germline): Conflicting classifications of pathogenicity. Review status: criteria provided, conflicting classifications (1 of 4 stars). 4 submissions from 4 submitters: Uncertain significance (3); Likely benign (1). Last evaluated 2025-12-16.

Conditions:
Inborn genetic diseases. Identifiers: MedGen C0950123, MeSH D030342.

Allele frequency attached by ClinVar (database versions not stated): TOPMed 0.00009; ESP Exome Variant Server 0.00015; gnomAD exomes 0.00016 and 0.00022; gnomAD 0.00020 and 0.00021; ExAC 0.00028.
gnomAD v4.1: 262 of 1,614,044 alleles (0.016%); highest among the groups gnomAD compares: Non-Finnish European, 0.019%; no homozygotes.

Submissions (4):

Labcorp Genetics (formerly Invitae), Labcorp
Classification: Likely benign. Last evaluated: 2025-12-16. Review status: criteria provided, single submitter. Criteria: Invitae Variant Classification Sherloc (09022015). Collection method: clinical testing. Allele origin: germline.

Mayo Clinic Laboratories, Mayo Clinic
Classification: Uncertain significance. Last evaluated: 2025-01-08. Review status: criteria provided, single submitter. Criteria: ACMG Guidelines, 2015. Collection method: clinical testing. Allele origin: germline. Observed: 1 variant allele.
Comment: PM2_supporting, PM3

GeneDx
Classification: Uncertain significance. Last evaluated: 2024-12-11. Review status: criteria provided, single submitter. Criteria: GeneDx Variant Classification Process June 2021. Collection method: clinical testing. Allele origin: germline. Affected: yes.
Comment: In silico analysis supports that this missense variant has a deleterious effect on protein structure/function; This variant is associated with the following publications: (PMID: 37273706)

Ambry Genetics
Classification: Uncertain significance for Inborn genetic diseases. Last evaluated: 2021-01-06. Review status: criteria provided, single submitter. Criteria: Ambry Variant Classification Scheme 2023. Collection method: clinical testing. Allele origin: germline.

Literature cited by the submitters: PubMed 37273706 (cited by Mayo Clinic Laboratories, Mayo Clinic).